The following is an entry in ClinVar:

NM_001128159.3(VPS53):c.2420T>C (p.Leu807Pro)

Gene: VPS53 (VPS53 subunit of GARP complex; minus strand). Cytogenetic location: 17p13.3.
Variant type: single nucleotide variant.
Coding change: c.2420T>C on transcript NM_001128159.3 (MANE Select); coding-DNA position 2420, T replaced by C.
Protein change: p.Leu807Pro; replaces leucine 807 with proline.
Molecular consequence: missense variant.
Genome position (GRCh38, 1-based): chr17:519,207, A>G on the plus strand (T>C on the coding strand, the complement: VPS53 is on the minus strand). VCF-style: chr17-519207-A-G. GRCh37 (hg19) VCF-style: chr17-422447-A-G.
Other names: short protein forms L807P.
Identifiers: ClinVar variation 1029113 (VCV001029113.1), dbSNP rs771439682, ClinGen allele CA8261135.
Genomic context (GRCh38, chr17:519,207, plus strand): 5'-AGTTTCTCGAGCTTGCGGATGCGTGACGACTCTTGCTCTGGTGTTGGCGCCGTCAGGGAC[A>G]GTGAGCCGGAGCTTTCTGCCCCCGAGGGCGGTGCGGGGAGCCGCTGGCGCAGGAGTTCCA-3'
Protein context (NP_001121631.1, residues 797-817): PPSGAESSGS[Leu807Pro]SLTAPTPEQE

ClinVar aggregate classification (germline): Uncertain significance (1 of 4 stars; one submission).

Conditions:
Pontocerebellar hypoplasia type 2E. Identifiers: Orphanet 247198, MedGen C4014488, MONDO:0014370, OMIM 615851.

Allele frequency attached by ClinVar (database versions not stated): gnomAD 0.00001; gnomAD exomes 0.00001; TOPMed 0.00001; ExAC 0.00005.
gnomAD v4.1: 8 of 1,549,322 alleles (0.00052%); highest among the groups gnomAD compares: South Asian, 0.0012%; no homozygotes.

Submission:

Baylor Genetics
Classification: Uncertain significance for Pontocerebellar hypoplasia type 2E. Last evaluated: 2020-01-24. Review status: criteria provided, single submitter. Criteria: ACMG Guidelines, 2015. Collection method: clinical testing. Allele origin: unknown. Affected: yes.
Comment: This variant was determined to be of uncertain significance according to ACMG Guidelines, 2015 [PMID:25741868].